The following is an entry in ClinVar:

ClinVar aggregate classification (germline): Pathogenic/Likely pathogenic. Review status: criteria provided, multiple submitters, no conflicts (2 of 4 stars). 9 submissions from 9 submitters: Pathogenic (4); Likely pathogenic (2). 3 of the submissions do not count toward it. Last evaluated 2024-03-01.

Conditions:
Hypotonia, ataxia, and delayed development syndrome (HADDS). Also called: EBF3 Neurodevelopmental Disorder. Identifiers: Orphanet 658843, MedGen C4310618, MONDO:0015021, OMIM 617330.
Inborn genetic diseases. Identifiers: MedGen C0950123, MeSH D030342.

Submissions (9):

CeGaT Center for Human Genetics Tuebingen
Classification: Pathogenic. Last evaluated: 2024-03-01. Review status: criteria provided, single submitter. Criteria: CeGaT Center For Human Genetics Tuebingen Variant Classification Criteria Version 2. Collection method: clinical testing. Allele origin: germline. Affected: yes. Observed: 1 variant allele.
Comment: EBF3: PS2, PM1, PM2, PM5, PS4:Moderate, PP2

Centre of Medical Genetics, University Hospital Muenster
Classification: Pathogenic. Last evaluated: 2024-01-12. Review status: criteria provided, single submitter. Criteria: ACMG Guidelines, 2015. Collection method: clinical testing. Allele origin: de novo. Affected: yes. Observed: 1 variant allele, 1 heterozygote.
Comment: ACMG categories: PS2,PM1,PM2,PM5,PP3

GeneDx
Classification: Pathogenic. Last evaluated: 2022-10-21. Review status: criteria provided, single submitter. Criteria: GeneDx Variant Classification Process June 2021. Collection method: clinical testing. Allele origin: germline. Affected: yes.
Comment: Published functional studies suggest a damaging effect as R209W results in mislocalization of the EBF3 protein and impaired association with chromatin (Harms et al., 2016); Not observed in large population cohorts (gnomAD); This variant is associated with the following publications: (PMID: 34050706, 32637629, 28017373)

Baylor Genetics
Classification: Pathogenic for Hypotonia, ataxia, and delayed development syndrome. Last evaluated: 2021-04-01. Review status: criteria provided, single submitter. Criteria: ACMG Guidelines, 2015. Collection method: clinical testing. Allele origin: unknown.

Genetic Services Laboratory, University of Chicago
Classification: Likely pathogenic. Last evaluated: 2019-02-22. Review status: criteria provided, single submitter. Criteria: ACMG Guidelines, 2015. Collection method: clinical testing. Allele origin: germline. Affected: yes.
Comment: DNA sequence analysis of the EBF3 gene demonstrated a sequence change, c.625C>T, in exon 7 that results in an amino acid change, p.Arg209Trp. This is a novel sequence change that is not present in the population databases (ExAC, gnomAD). The p.Arg209Trp change affects a highly conserved amino acid residue located in the DNA-binding domain of the EBF3 protein where all other missense pathogenic variants have been described to date. The p.Arg209Trp substitution appears to be possibly damaging using several in-silico pathogenicity prediction tools (SIFT, PolyPhen2, Align GVGD, REVEL). This variant has previously been described in two symptomatic siblings with ataxia, ID, speech delay, motor developmental delay, seizures where functional studies were performed that demonstrated a likely defect in protein function (Harms et al.,2017). This sequence change is the likely cause of this phenotype, however functional studies have not been performed to prove this conclusively.

Ambry Genetics
Classification: Likely pathogenic for Inborn genetic diseases. Last evaluated: 2016-12-28. Review status: criteria provided, single submitter. Criteria: Ambry exome assertion method (8-5-2015). Collection method: clinical testing. Allele origin: germline. Affected: yes. Observed: 1 variant allele.

OMIM
Classification: Pathogenic for HYPOTONIA, ATAXIA, AND DELAYED DEVELOPMENT SYNDROME. Last evaluated: 2023-02-23. Review status: no assertion criteria provided. Collection method: literature only. Allele origin: germline. Not counted in ClinVar's aggregate classification.

GeneReviews
No classification provided. Condition: Hypotonia, ataxia, and delayed development syndrome. Review status: no classification provided. Collection method: literature only. Allele origin: germline. Not counted in ClinVar's aggregate classification.
Comment: Reported in 2 unrelated persons

NEUROCHILD, Pediatric Research Center
Classification: Pathogenic for Hypotonia, ataxia, and delayed development syndrome. Review status: no assertion criteria provided. Collection method: research. Allele origin: de novo. Affected: yes. Not counted in ClinVar's aggregate classification.

Literature cited by the submitters: PubMed 28017373 (cited by 3 submitters); PubMed 35340043 (cited by OMIM); PubMed 32637629 (cited by GeneReviews); PubMed 33956416 (cited by GeneReviews).

NM_001375380.1(EBF3):c.625C>T (p.Arg209Trp)

Gene: EBF3 (EBF transcription factor 3; minus strand). Cytogenetic location: 10q26.3.
Variant type: single nucleotide variant.
Coding change: c.625C>T on transcript NM_001375380.1 (MANE Select); coding-DNA position 625, C replaced by T.
Protein change: p.Arg209Trp; replaces arginine 209 with tryptophan.
Molecular consequence: missense variant.
Genome position (GRCh38, 1-based): chr10:129,877,779, G>A on the plus strand (C>T on the coding strand, the complement: EBF3 is on the minus strand). VCF-style: chr10-129877779-G-A. GRCh37 (hg19) VCF-style: chr10-131676043-G-A.
Other names: c.625C>T, p.Arg209Trp (NM_001005463.3, NM_001375379.1, NM_001375389.1 and 3 more transcripts); c.625C>T (NM_001005463.1); short protein forms R209W.
Identifiers: ClinVar variation 375494 (VCV000375494.39), dbSNP rs779003155, ClinGen allele CA16044296.